The following is an entry in ClinVar:

NM_144997.7(FLCN):c.67_79del (p.Glu23fs)

Gene: FLCN (folliculin; minus strand). Cytogenetic location: 17p11.2.
Variant type: Deletion.
Coding change: c.67_79del on transcript NM_144997.7 (MANE Select); coding-DNA positions 67 to 79, 13 bases deleted (GAGGTGCTGCACG).
Protein change: p.Glu23fs; shifts the reading frame from glutamic acid 23.
Molecular consequence: frameshift variant.
Genome position (GRCh38, 1-based): chr17:17,228,059-17,228,071, CGTGCAGCACCTC deleted on the plus strand (GAGGTGCTGCACG on the coding strand, the reverse complement: FLCN is on the minus strand); deleting any 13 consecutive bases within chr17:17,228,059-17,228,078 gives the same sequence; the c. name uses the placement nearest the transcript's 3' end. VCF-style (leftmost placement, unchanged base first): chr17-17228058-GCGTGCAGCACCTC-G. GRCh37 (hg19) VCF-style: chr17-17131372-GCGTGCAGCACCTC-G.
Other names: c.67_79del, p.Glu23fs (NM_001353229.2, NM_001353230.2, NM_001353231.2 and 1 more transcripts); short protein forms E23fs.
Identifiers: ClinVar variation 1454279 (VCV001454279.6), dbSNP rs2145048688, ClinGen allele CA2573153089.

ClinVar aggregate classification (germline): Pathogenic (1 of 4 stars; one submission).

Conditions:
Birt-Hogg-Dube syndrome. Also called: Birt Hogg Dubé syndrome. Identifiers: Orphanet 122, MedGen C0346010, MONDO:0800444.

Submission:

Labcorp Genetics (formerly Invitae), Labcorp
Classification: Pathogenic for Birt-Hogg-Dube syndrome. Last evaluated: 2021-10-07. Review status: criteria provided, single submitter. Criteria: Invitae Variant Classification Sherloc (09022015). Collection method: clinical testing. Allele origin: germline.
Comment: For these reasons, this variant has been classified as Pathogenic. This variant has not been reported in the literature in individuals affected with FLCN-related conditions. This variant is not present in population databases (ExAC no frequency). This sequence change creates a premature translational stop signal (p.Glu23Profs*28) in the FLCN gene. It is expected to result in an absent or disrupted protein product. Loss-of-function variants in FLCN are known to be pathogenic (PMID: 15852235).

Literature cited by the submitters: PubMed 15852235.